The following is an entry in ClinVar:

NM_001301071.2(DOK7):c.1514C>T (p.Ala505Val)

Gene: DOK7 (docking protein 7; plus strand). Cytogenetic location: 4p16.3.
Variant type: single nucleotide variant.
Coding change: c.1514C>T on transcript NM_001301071.2; coding-DNA position 1514, C replaced by T.
Protein change: p.Ala505Val; replaces alanine 505 with valine.
Molecular consequence: missense variant.
Genome position (GRCh38, 1-based): chr4:3,496,836, C>T. VCF-style: chr4-3496836-C-T. GRCh37 (hg19) VCF-style: chr4-3498563-C-T.
Other names: c.1082C>T, p.Ala361Val (NM_001363811.2); short protein forms A361V, A505V.
Identifiers: ClinVar variation 4086655 (VCV004086655.1).

ClinVar aggregate classification (germline): Uncertain significance (1 of 4 stars; one submission).

gnomAD v4.1: 10 of 1,535,700 alleles (0.00065%); highest among the groups gnomAD compares: South Asian, 0.0059%; no homozygotes.

Submission:

GeneDx
Classification: Uncertain significance. Last evaluated: 2025-03-18. Review status: criteria provided, single submitter. Criteria: GeneDx Variant Classification Process June 2021. Collection method: clinical testing. Allele origin: germline. Affected: yes.
Comment: Not observed at significant frequency in large population cohorts (gnomAD); Has not been previously published as pathogenic or benign to our knowledge; Reported using an alternate transcript of the gene; In silico analysis does not support a benign or deleterious effect of this variant on protein structure/function